The following is an entry in ClinVar:

ClinVar aggregate classification (germline): Pathogenic/Likely pathogenic. Review status: criteria provided, multiple submitters, no conflicts (2 of 4 stars). 2 submissions from 2 submitters: Pathogenic (1); Likely pathogenic (1). Last evaluated 2024-08-14.

Conditions:
USH2A-related disorder. Also called: USH2A-related condition; USH2A-related disorders. Identifiers: MedGen CN239332.

Submissions (2):

Blueprint Genetics
Classification: Likely pathogenic for USH2A-related disorders. Last evaluated: 2024-08-14. Review status: criteria provided, single submitter. Criteria: ACMG Guidelines, 2015. Collection method: clinical testing. Allele origin: germline. Affected: yes. Observed: 1 variant allele.

Myriad Genetics, Inc.
Classification: Pathogenic for USH2A-related disorder. Last evaluated: 2024-08-10. Review status: criteria provided, single submitter. Criteria: Myriad Autosomal Dominant, Autosomal Recessive and X-Linked Classification Criteria (2023). Collection method: clinical testing. Allele origin: unknown.
Comment: NM_206933.2(USH2A):c.5422G>T(E1808*) is expected to be pathogenic in the context of USH2A-related disorders. This variant is predicted to lead to an abnormal or absent protein product due to the creation of a premature termination codon in USH2A, a gene where loss-of-function variants are known to be pathogenic. Please note: this variant was assessed in the context of healthy population screening.

NM_206933.4(USH2A):c.5422G>T (p.Glu1808Ter)

Genes: USH2A (usherin; minus strand), USH2A-AS2 (USH2A antisense RNA 2; plus strand). Cytogenetic location: 1q41.
Variant type: single nucleotide variant.
Coding change: c.5422G>T on transcript NM_206933.4 (MANE Select); coding-DNA position 5422, G replaced by T.
Protein change: p.Glu1808Ter; replaces glutamic acid 1808 with a stop codon.
Molecular consequence: nonsense.
Genome position (GRCh38, 1-based): chr1:216,078,239, C>A on the plus strand (G>T on the coding strand, the complement: USH2A is on the minus strand). VCF-style: chr1-216078239-C-A. GRCh37 (hg19) VCF-style: chr1-216251581-C-A.
Other names: short protein forms E1808*.
Identifiers: ClinVar variation 4937799 (VCV004937799.2).
Genomic context (GRCh38, chr1:216,078,239, plus strand): 5'-CTCCGGACTCCGATGCATGCTTCATCAGTCCATTCACACTTGCTGATATGAAAGAGCCTT[C>A]CTTTTTAATAATGACTTTATTCCACTTTCCATTACAATAGGATAGCCCCAGCAATAGATC-3'